The following is an entry in ClinVar:

ClinVar aggregate classification (germline): Uncertain significance (1 of 4 stars; one submission).

Conditions:
Neuromuscular disease caused by qualitative or quantitative defects of dysferlin. Also called: Dysferlinopathy; Qualitative or quantitative defects of dysferlin. Identifiers: Orphanet 207073, MedGen C2931687, MONDO:0016145.

Allele frequency attached by ClinVar (database versions not stated): gnomAD exomes below 0.00001; TOPMed below 0.00001.
gnomAD v4.1: 5 of 1,614,150 alleles (0.00031%); highest among the groups gnomAD compares: Admixed American, 0.0017%; no homozygotes.

Submission:

Labcorp Genetics (formerly Invitae), Labcorp
Classification: Uncertain significance for Neuromuscular disease caused by qualitative or quantitative defects of dysferlin. Last evaluated: 2022-08-23. Review status: criteria provided, single submitter. Criteria: Invitae Variant Classification Sherloc (09022015). Collection method: clinical testing. Allele origin: germline.
Comment: This sequence change replaces threonine, which is neutral and polar, with alanine, which is neutral and non-polar, at codon 17 of the DYSF protein (p.Thr17Ala). This variant is not present in population databases (gnomAD no frequency). This variant has not been reported in the literature in individuals affected with DYSF-related conditions. ClinVar contains an entry for this variant (Variation ID: 1508701). Advanced modeling of protein sequence and biophysical properties (such as structural, functional, and spatial information, amino acid conservation, physicochemical variation, residue mobility, and thermodynamic stability) performed at Invitae indicates that this missense variant is not expected to disrupt DYSF protein function. In summary, the available evidence is currently insufficient to determine the role of this variant in disease. Therefore, it has been classified as a Variant of Uncertain Significance.

NM_003494.4(DYSF):c.49A>G (p.Thr17Ala)

Gene: DYSF (dysferlin; plus strand). Cytogenetic location: 2p13.2.
Variant type: single nucleotide variant.
Coding change: c.49A>G on transcript NM_003494.4 (MANE Plus Clinical); coding-DNA position 49, A replaced by G.
Protein change: p.Thr17Ala; replaces threonine 17 with alanine.
Molecular consequence: missense variant.
Genome position (GRCh38, 1-based): chr2:71,454,047, A>G. VCF-style: chr2-71454047-A-G. GRCh37 (hg19) VCF-style: chr2-71681177-A-G.
Other names: c.49A>G, p.Thr17Ala (NM_001130978.2, NM_001130979.2, NM_001130980.2 and 3 more transcripts); short protein forms T17A.
Identifiers: ClinVar variation 1508701 (VCV001508701.4), dbSNP rs2080945647, ClinGen allele CA347206207.